The following is an entry in ClinVar:

ClinVar aggregate classification (germline): Likely pathogenic (1 of 4 stars; one submission).

Conditions:
Marfan syndrome (MFS). Also called: MARFAN SYNDROME, TYPE I; Marfan syndrome type 1; Marfan's syndrome; Marfan syndrome, classic; FBN1-Related Marfan Syndrome. Identifiers: Orphanet 284963, Orphanet 558, MedGen C0024796, MONDO:0007947, OMIM 154700.

Submission:

MVZ Medizinische Genetik Mainz
Classification: Likely pathogenic for Marfan syndrome. Last evaluated: 2025-04-24. Review status: criteria provided, single submitter. Criteria: UK Practice Guidelines For Variant Classification V4 01 2020. Collection method: clinical testing. Allele origin: germline. Inheritance: Autosomal dominant inheritance. Affected: yes. Observed: 1 variant allele.
Comment: ACMG Criteria: PVS1,PM2_SUP

NM_000138.5(FBN1):c.7310_7311del (p.Ile2437fs)

Gene: FBN1 (fibrillin 1; minus strand). Cytogenetic location: 15q21.1.
Variant type: Microsatellite.
Coding change: c.7310_7311del on transcript NM_000138.5 (MANE Select); coding-DNA positions 7310 to 7311, 2 bases deleted (TA; older notation c.7310_7311delTA).
Protein change: p.Ile2437fs; shifts the reading frame from isoleucine 2437.
Molecular consequence: frameshift variant.
Genome position (GRCh38, 1-based): chr15:48,425,758-48,425,759, TA deleted on the plus strand (TA on the coding strand, the reverse complement: FBN1 is on the minus strand); deleting any 2 consecutive bases within chr15:48,425,758-48,425,762 gives the same sequence; the c. name uses the placement nearest the transcript's 3' end. VCF-style (leftmost placement, unchanged base first): chr15-48425757-TTA-T. GRCh37 (hg19) VCF-style: chr15-48717954-TTA-T.
Other names: c.7310_7311del, p.Ile2437fs (NM_001406716.1); short protein forms I2437fs.
Identifiers: ClinVar variation 3900712 (VCV003900712.1).